The following is an entry in ClinVar:

ClinVar aggregate classification (germline): Uncertain significance (1 of 4 stars; one submission).

gnomAD v4.1: 6 of 1,613,940 alleles (0.00037%); highest among the groups gnomAD compares: South Asian, 0.0011%; no homozygotes.

Submission:

Labcorp Genetics (formerly Invitae), Labcorp
Classification: Uncertain significance. Last evaluated: 2025-07-21. Review status: criteria provided, single submitter. Criteria: Invitae Variant Classification Sherloc (09022015). Collection method: clinical testing. Allele origin: germline.
Comment: This sequence change replaces valine, which is neutral and non-polar, with isoleucine, which is neutral and non-polar, at codon 40 of the LRRC8A protein (p.Val40Ile). This variant is present in population databases (no rsID available, gnomAD 0.007%). This variant has not been reported in the literature in individuals affected with LRRC8A-related conditions. An algorithm developed to predict the effect of missense changes on protein structure and function (PolyPhen-2) suggests that this variant is likely to be disruptive. In summary, the available evidence is currently insufficient to determine the role of this variant in disease. Therefore, it has been classified as a Variant of Uncertain Significance.

NM_019594.4(LRRC8A):c.118G>A (p.Val40Ile)

Gene: LRRC8A (leucine rich repeat containing 8 VRAC subunit A; plus strand). Cytogenetic location: 9q34.11.
Variant type: single nucleotide variant.
Coding change: c.118G>A on transcript NM_019594.4 (MANE Select); coding-DNA position 118, G replaced by A.
Protein change: p.Val40Ile; replaces valine 40 with isoleucine.
Molecular consequence: missense variant.
Genome position (GRCh38, 1-based): chr9:128,907,282, G>A. VCF-style: chr9-128907282-G-A. GRCh37 (hg19) VCF-style: chr9-131669561-G-A.
Other names: c.118G>A, p.Val40Ile (NM_001127244.2, NM_001127245.2); short protein forms V40I.
Identifiers: ClinVar variation 4706033 (VCV004706033.1).